The following is an entry in ClinVar:

NM_000548.5(TSC2):c.3915G>A (p.Pro1305=)

Gene: TSC2 (TSC complex subunit 2; plus strand). Cytogenetic location: 16p13.3.
Variant type: single nucleotide variant.
Coding change: c.3915G>A on transcript NM_000548.5 (MANE Select); coding-DNA position 3915, G replaced by A.
Protein change: p.Pro1305=; no amino-acid change (proline 1305 retained).
Molecular consequence: synonymous variant.
Genome position (GRCh38, 1-based): chr16:2,083,726, G>A. VCF-style: chr16-2083726-G-A. GRCh37 (hg19) VCF-style: chr16-2133727-G-A.
Other names: p.P1305P:CCG>CCA; p.Pro1305=; c.3915G>A (NM_000548.4); c.3714G>A, p.Pro1238= (NM_001077183.3); c.3846G>A, p.Pro1282= (NM_001114382.3); c.3606G>A, p.Pro1202= (NM_001318827.2); c.3570G>A, p.Pro1190= (NM_001318829.2); c.3183G>A, p.Pro1061= (NM_001318831.2); and 4 more.
Identifiers: ClinVar variation 49280 (VCV000049280.47), dbSNP rs11551373, ClinGen allele CA019688.
Genomic context (GRCh38, chr16:2,083,726, plus strand): 5'-ATCCAGCAGCCCCGTCTGTGTCCTCCCAGACTCCGCCGTGGTCATGGAGGAGGGAAGTCC[G>A]GGCGAGGTTCCTGTGCTGGTGGAGCCCCCAGGGTTGGAGGACGTTGAGGCAGCGCTAGGC-3'
Protein context (NP_000539.2, residues 1295-1315): DSAVVMEEGS[Pro1305=]GEVPVLVEPP

ClinVar aggregate classification (germline): Benign/Likely benign. Review status: criteria provided, multiple submitters, no conflicts (2 of 4 stars). 24 submissions from 24 submitters: Benign (18); Likely benign (1). 5 of the submissions do not count toward it. Last evaluated 2026-02-04.

Conditions:
Tuberous sclerosis syndrome (TSC). Also called: Tuberous Sclerosis Complex; Tuberous sclerosis. Identifiers: Orphanet 805, MedGen C0041341, MONDO:0001734.
Tuberous sclerosis 2 (TSC2). Identifiers: Orphanet 805, MedGen C1860707, MONDO:0013199, OMIM 613254.
Lymphangiomyomatosis (LAM). Also called: Lymphangioleiomyomatosis; Lymphangioleiomyomatosis, somatic. Identifiers: Orphanet 538, MedGen C0751674, MONDO:0011705, OMIM 606690.
Isolated focal cortical dysplasia type II (FCORD2). Also called: CORTICAL DYSPLASIA OF TAYLOR; Focal cortical dysplasia type II. Identifiers: Orphanet 268994, MedGen C1846385, MONDO:0011818, OMIM 607341, HP:0032051.
Hereditary cancer-predisposing syndrome. Also called: Neoplastic Syndromes, Hereditary; Tumor predisposition; Hereditary Cancer Syndrome; Hereditary neoplastic syndrome. Identifiers: Orphanet 140162, MedGen C0027672, MeSH D009386, MONDO:0015356.

Allele frequency attached by ClinVar (database versions not stated): ExAC 0.01033; gnomAD 0.02063 and 0.02216; 1000 Genomes Project 0.02177; ESP Exome Variant Server 0.02248; TOPMed 0.02258; 1000 Genomes Project 30x 0.02467.

Submissions (30):

Labcorp Genetics (formerly Invitae), Labcorp
Classification: Benign for Tuberous sclerosis 2. Last evaluated: 2026-02-04. Review status: criteria provided, single submitter. Criteria: Invitae Variant Classification Sherloc (09022015). Collection method: clinical testing. Allele origin: germline.

Myriad Genetics, Inc.
Classification: Benign for Tuberous sclerosis 2. Last evaluated: 2025-06-02. Review status: criteria provided, single submitter. Criteria: Myriad Autosomal Dominant, Autosomal Recessive and X-Linked Classification Criteria (2023). Collection method: clinical testing. Allele origin: unknown.
Comment: This variant is considered benign. This variant is a silent/synonymous amino acid change and it is not expected to impact splicing.

Quest Diagnostics Nichols Institute San Juan Capistrano
Classification: Benign. Last evaluated: 2025-05-15. Review status: criteria provided, single submitter. Criteria: Quest Diagnostics criteria. Collection method: clinical testing. Allele origin: unknown.

Mayo Clinic Laboratories, Mayo Clinic
Classification: Likely benign. Last evaluated: 2025-02-11. Review status: criteria provided, single submitter. Criteria: ACMG Guidelines, 2015. Collection method: clinical testing. Allele origin: germline. Observed: 21 variant alleles.
Comment: BS1, BP4, BP7

ARUP Laboratories, Molecular Genetics and Genomics, ARUP Laboratories
Classification: Benign. Last evaluated: 2024-07-22. Review status: criteria provided, single submitter. Criteria: ARUP Molecular Germline Variant Investigation Process 2024. Collection method: clinical testing. Allele origin: germline.

All of Us Research Program, National Institutes of Health
Classification: Benign for Tuberous sclerosis syndrome. Last evaluated: 2024-02-05. Review status: criteria provided, single submitter. Criteria: ACMG Guidelines, 2015. Collection method: clinical testing. Allele origin: germline. Inheritance: Autosomal dominant inheritance. Observed: 1,167 variant alleles, 1,129 heterozygotes, 38 homozygotes.
Comment: This study involves interpretation of variants in research participants for the purpose of population health screening. Participant phenotype was not available at the time of variant classification. Additional details can be found in publication PMID: 35346344, PMCID: PMC8962531

KCCC/NGS Laboratory, Kuwait Cancer Control Center
Classification: Benign for Tuberous sclerosis 2. Last evaluated: 2023-07-07. Review status: criteria provided, single submitter. Criteria: ACMG Guidelines, 2015. Collection method: clinical testing. Allele origin: germline. Affected: yes.

Department of Pathology and Laboratory Medicine, Sinai Health System
Classification: Benign for Lymphangiomyomatosis; Isolated focal cortical dysplasia type II; Tuberous sclerosis 2. Last evaluated: 2022-12-08. Review status: criteria provided, single submitter. Criteria: ACMG Guidelines, 2015. Collection method: clinical testing. Allele origin: germline. Affected: yes.

Genome-Nilou Lab
Classification: Benign for Tuberous sclerosis 2. Last evaluated: 2021-11-07. Review status: criteria provided, single submitter. Criteria: ACMG Guidelines, 2015. Collection method: clinical testing. Allele origin: germline. Affected: no.

Fulgent Genetics
Classification: Benign for Lymphangiomyomatosis; Isolated focal cortical dysplasia type II; Tuberous sclerosis 2. Last evaluated: 2021-07-21. Review status: criteria provided, single submitter. Criteria: ACMG Guidelines, 2015. Collection method: clinical testing. Allele origin: unknown.

Color Diagnostics, LLC DBA Color Health
Classification: Benign for Tuberous sclerosis syndrome. Last evaluated: 2019-03-29. Review status: criteria provided, single submitter. Criteria: ACMG Guidelines, 2015. Collection method: clinical testing. Allele origin: germline.

Illumina Laboratory Services, Illumina
Classification: Benign for Tuberous sclerosis syndrome. Last evaluated: 2018-01-13. Review status: criteria provided, single submitter. Criteria: ICSL Variant Classification Criteria 13 December 2019. Collection method: clinical testing. Allele origin: germline.
Comment: This variant was observed in the ICSL laboratory as part of a predisposition screen in an ostensibly healthy population. It had not been previously curated by ICSL or reported in the Human Gene Mutation Database (HGMD: prior to June 1st, 2018), and was therefore a candidate for classification through an automated scoring system. Utilizing variant allele frequency, disease prevalence and penetrance estimates, and inheritance mode, an automated score was calculated to assess if this variant is too frequent to cause the disease. Based on the score and internal cut-off values, a variant classified as benign is not then subjected to further curation. The score for this variant resulted in a classification of benign for this disease.

Athena Diagnostics
Classification: Benign for Tuberous sclerosis 2. Last evaluated: 2017-05-24. Review status: criteria provided, single submitter. Criteria: Athena Diagnostics Criteria. Collection method: clinical testing. Allele origin: germline.

Women's Health and Genetics/Laboratory Corporation of America, LabCorp
Classification: Benign. Last evaluated: 2016-08-23. Review status: criteria provided, single submitter. Criteria: LabCorp Variant Classification Summary - May 2015. Collection method: clinical testing. Allele origin: germline.
Comment: Variant summary: The TSC2 c.3915G>A (p.Pro1305Pro) variant causes a synonymous change involving a non-conserved nucleotide with 4/5 splice prediction tools predicting no significant impact on splicing or ESE binding, although these predictions have yet to be functionally assessed. The variant of interest was observed in the large, broad control population, ExAC, with an allele frequency of 536/51912 (14 homozygotes, 1/96), which significantly exceeds the estimated maximal expected allele frequency for a pathogenic TSC2 variant of 1/14534 (0.0000688), suggesting this variant is likely a benign polymorphism. In addition, multiple reputable clinical laboratories/databases cite the variant as "benign/likely benign." Therefore, the variant of interest has been classified as Benign.

Ambry Genetics
Classification: Benign for Hereditary cancer-predisposing syndrome. Last evaluated: 2014-11-30. Review status: criteria provided, single submitter. Criteria: Ambry Variant Classification Scheme 2023. Collection method: clinical testing. Allele origin: germline.

Laboratory for Molecular Medicine, Mass General Brigham Personalized Medicine
Classification: Benign. Last evaluated: 2013-02-21. Review status: criteria provided, single submitter. Criteria: LMM Criteria. Collection method: clinical testing. Allele origin: germline. Observed: 1 variant allele.
Comment: Pro1305Pro in exon 33 of TSC2: This variant is not expected to have clinical sig nificance because it does not alter an amino acid residue and is not located wit hin the splice consensus sequence. It has been identified in 6.6% (290/4372) of African American chromosomes from a broad population by the NHLBI Exome Sequenci ng Project (dbSNP rs11551373).

GeneDx
Classification: Benign. Last evaluated: 2012-05-24. Review status: criteria provided, single submitter. Criteria: GeneDx Variant Classification (06012015). Collection method: clinical testing. Allele origin: germline. Affected: yes.
Comment: This variant is considered likely benign or benign based on one or more of the following criteria: it is a conservative change, it occurs at a poorly conserved position in the protein, it is predicted to be benign by multiple in silico algorithms, and/or has population frequency not consistent with disease.

Breakthrough Genomics
Classification: Benign. Review status: criteria provided, single submitter. Criteria: ACMG Guidelines, 2015. Collection method: not provided. Allele origin: germline. Inheritance: Autosomal dominant inheritance. Affected: yes.

PreventionGenetics, part of Exact Sciences
Classification: Benign. Review status: criteria provided, single submitter. Criteria: ACMG Guidelines, 2015. Collection method: clinical testing. Allele origin: germline.

Clinical Genetics DNA and cytogenetics Diagnostics Lab, Erasmus MC, Erasmus Medical Center
Classification: Benign. Review status: no assertion criteria provided. Collection method: clinical testing. Allele origin: germline. Affected: yes. Study: VKGL Data-share Consensus. Not counted in ClinVar's aggregate classification.

Clinical Genetics, Academic Medical Center
Classification: Benign. Review status: no assertion criteria provided. Collection method: clinical testing. Allele origin: germline. Affected: yes. Study: VKGL Data-share Consensus. Not counted in ClinVar's aggregate classification.

Dr. Peter K. Rogan Lab, Western University
No classification provided (evidence only). Condition: Clear cell carcinoma of kidney. Review status: no classification provided. Collection method: in vitro. Allele origin: not applicable. Functional consequence: retained intron. Not counted in ClinVar's aggregate classification.

Dr. Peter K. Rogan Lab, Western University
No classification provided (evidence only). Condition: Thyroid cancer, nonmedullary, 1. Review status: no classification provided. Collection method: in vitro. Allele origin: not applicable. Functional consequence: retained intron. Not counted in ClinVar's aggregate classification.

Dr. Peter K. Rogan Lab, Western University
No classification provided (evidence only). Condition: Uterine corpus endometrial carcinoma. Review status: no classification provided. Collection method: in vitro. Allele origin: not applicable. Functional consequence: retained intron. Not counted in ClinVar's aggregate classification.

Dr. Peter K. Rogan Lab, Western University
No classification provided (evidence only). Condition: Uterine corpus endometrial carcinoma. Review status: no classification provided. Collection method: in vitro. Allele origin: not applicable. Functional consequence: retained intron. Not counted in ClinVar's aggregate classification.

Dr. Peter K. Rogan Lab, Western University
No classification provided (evidence only). Condition: Sarcoma. Review status: no classification provided. Collection method: in vitro. Allele origin: not applicable. Functional consequence: retained intron. Not counted in ClinVar's aggregate classification.

Dr. Peter K. Rogan Lab, Western University
No classification provided (evidence only). Condition: Hepatocellular carcinoma. Review status: no classification provided. Collection method: in vitro. Allele origin: not applicable. Functional consequence: retained intron. Not counted in ClinVar's aggregate classification.

Genetic Services Laboratory, University of Chicago
Classification: Likely benign for AllHighlyPenetrant. Review status: no assertion criteria provided. Collection method: clinical testing. Allele origin: germline. Inheritance: Autosomal dominant inheritance. Not counted in ClinVar's aggregate classification.
Comment: Likely benign based on allele frequency in 1000 Genomes Project or ESP global frequency and its presence in a patient with a rare or unrelated disease phenotype. NOT Sanger confirmed.

Genome Diagnostics Laboratory, Amsterdam University Medical Center
Classification: Benign. Review status: no assertion criteria provided. Collection method: clinical testing. Allele origin: germline. Affected: yes. Study: VKGL Data-share Consensus. Not counted in ClinVar's aggregate classification.

Tuberous sclerosis database (TSC2)
No classification provided. Condition: TSC. Review status: no classification provided. Criteria: Tuberous Sclerosis Database Assertion Criteria 2015. Collection method: curation. Allele origin: germline. Affected: yes. Not counted in ClinVar's aggregate classification.